The following is an entry in ClinVar:

NM_181552.4(CUX1):c.3846C>G (p.Asn1282Lys)

Gene: CUX1 (cut like homeobox 1; plus strand). Cytogenetic location: 7q22.1.
Variant type: single nucleotide variant.
Coding change: c.3846C>G on transcript NM_181552.4 (MANE Select); coding-DNA position 3846, C replaced by G.
Protein change: p.Asn1282Lys; replaces asparagine 1282 with lysine.
Molecular consequence: missense variant. On other transcripts: intron variant (5).
Genome position (GRCh38, 1-based): chr7:102,239,543, C>G. VCF-style: chr7-102239543-C-G. GRCh37 (hg19) VCF-style: chr7-101882823-C-G.
Other names: c.3879C>G, p.Asn1293Lys (NM_001202543.2); c.1256-33823C>G (NM_001913.5); c.1250-33823C>G (NM_181500.4); c.1118-33823C>G (NM_001202545.3); c.1208-33823C>G (NM_001202544.3); c.1139-33823C>G (NM_001202546.3); short protein forms N1282K, N1293K.
Identifiers: ClinVar variation 2501939 (VCV002501939.1), dbSNP rs2486193264, ClinGen allele CA368665547.
Genomic context (GRCh38, chr7:102,239,543, plus strand): 5'-GTATCAGCAAAAGCCATACCCGTCACCAAAAACCATCGAAGACCTCGCCACCCAGCTCAA[C>G]CTGAAAACCAGCACCGTCATCAACTGGTTCCACAACTACAGGTACGACGGCTGGCTCACA-3'
Protein context (NP_853530.2, residues 1272-1292): KTIEDLATQL[Asn1282Lys]LKTSTVINWF

ClinVar aggregate classification (germline): Uncertain significance (1 of 4 stars; one submission).

Submission:

GeneDx
Classification: Uncertain significance. Last evaluated: 2022-11-11. Review status: criteria provided, single submitter. Criteria: GeneDx Variant Classification Process June 2021. Collection method: clinical testing. Allele origin: germline. Affected: yes.
Comment: Not observed at significant frequency in large population cohorts (gnomAD); In silico analysis supports that this missense variant has a deleterious effect on protein structure/function; Has not been previously published as pathogenic or benign to our knowledge